The following is an entry in ClinVar:

ClinVar aggregate classification (germline): Uncertain significance (1 of 4 stars; one submission).

Conditions:
Surfactant metabolism dysfunction, pulmonary, 4 (SMDP4). Also called: PAP DUE TO CSF2RA DEFICIENCY; PULMONARY ALVEOLAR PROTEINOSIS, CONGENITAL, 4; CSF2RA DEFICIENCY. Identifiers: Orphanet 264675, MedGen C2677877, MONDO:0010424, OMIM 300770.

Submission:

Labcorp Genetics (formerly Invitae), Labcorp
Classification: Uncertain significance for Surfactant metabolism dysfunction, pulmonary, 4. Last evaluated: 2019-10-03. Review status: criteria provided, single submitter. Criteria: Invitae Variant Classification Sherloc (09022015). Collection method: clinical testing. Allele origin: germline.
Comment: In summary, the available evidence is currently insufficient to determine the role of this variant in disease. Therefore, it has been classified as a Variant of Uncertain Significance. Algorithms developed to predict the effect of missense changes on protein structure and function are either unavailable or do not agree on the potential impact of this missense change (SIFT: "Deleterious"; PolyPhen-2: "Probably Damaging"; Align-GVGD: "Class C0"). This variant has not been reported in the literature in individuals with CSF2RA-related conditions. This variant is not present in population databases (ExAC no frequency). This sequence change replaces valine with isoleucine at codon 194 of the CSF2RA protein (p.Val194Ile). The valine residue is highly conserved and there is a small physicochemical difference between valine and isoleucine.

NM_172245.4(CSF2RA):c.580G>A (p.Val194Ile)

Gene: CSF2RA (colony stimulating factor 2 receptor subunit alpha; plus strand). Cytogenetic location: Xp22.33.
Variant type: single nucleotide variant.
Coding change: c.580G>A on transcript NM_172245.4 (MANE Select); coding-DNA position 580, G replaced by A.
Protein change: p.Val194Ile; replaces valine 194 with isoleucine.
Molecular consequence: missense variant. On other transcripts: non-coding transcript variant (1).
Genome position (GRCh38, 1-based): chrX:1,290,443, G>A. VCF-style: chrX-1290443-G-A. GRCh37 (hg19) VCF-style: chrX-1409336-G-A.
Other names: c.580G>A, p.Val194Ile (NM_001161529.2, NM_001161530.2, NM_001161531.2 and 20 more transcripts); c.181G>A, p.Val61Ile (NM_001161532.2); short protein forms V61I, V194I.
Identifiers: ClinVar variation 935205 (VCV000935205.8), dbSNP rs2091295557, ClinGen allele CA412235699.